The following is an entry in ClinVar:

ClinVar aggregate classification (germline): Conflicting classifications of pathogenicity. Review status: criteria provided, conflicting classifications (1 of 4 stars). 3 submissions from 3 submitters: Uncertain significance (2); Likely benign (1). Last evaluated 2026-01-28.

Conditions:
Deficiency of cytochrome-b5 reductase. Also called: METHEMOGLOBINEMIA, CONGENITAL, AUTOSOMAL RECESSIVE; NADH-DEPENDENT METHEMOGLOBIN REDUCTASE DEFICIENCY. Identifiers: Orphanet 621, MedGen C0268193, MONDO:0009606, OMIM 250800.

Allele frequency attached by ClinVar (database versions not stated): gnomAD 0.00011; ExAC 0.00013; ESP Exome Variant Server 0.00015; gnomAD exomes 0.00016; TOPMed 0.00021.

Submissions (3):

Labcorp Genetics (formerly Invitae), Labcorp
Classification: Likely benign. Last evaluated: 2026-01-28. Review status: criteria provided, single submitter. Criteria: Invitae Variant Classification Sherloc (09022015). Collection method: clinical testing. Allele origin: germline.

ARUP Laboratories, Molecular Genetics and Genomics, ARUP Laboratories
Classification: Uncertain significance. Last evaluated: 2025-02-19. Review status: criteria provided, single submitter. Criteria: ARUP Molecular Germline Variant Investigation Process 2024. Collection method: clinical testing. Allele origin: germline.
Comment: The CYB5R3 c.463+8G>A variant (rs200872504), to our knowledge, is not reported in the medical literature but is reported in ClinVar (Variation ID: 736506). This variant is found in the general population with an overall allele frequency of 0.015% (44/282748 alleles) in the Genome Aggregation Database (v2.1.1). This is an intronic variant and computational analyses (Alamut Visual Plus v.1.12) predict that this variant may impact splicing by creating a novel cryptic donor splice site. However, given the lack of clinical and functional data, the significance of this variant is uncertain at this time.

Revvity Omics, Revvity
Classification: Uncertain significance for Deficiency of cytochrome-b5 reductase. Last evaluated: 2024-07-19. Review status: criteria provided, single submitter. Criteria: ACMG Guidelines, 2015. Collection method: clinical testing. Allele origin: germline.

NM_000398.7(CYB5R3):c.463+8G>A

Gene: CYB5R3 (cytochrome b5 reductase 3; minus strand). Cytogenetic location: 22q13.2.
Variant type: single nucleotide variant.
Coding change: c.463+8G>A on transcript NM_000398.7 (MANE Select); 8 bases into the intron after coding-DNA position 463, G replaced by A.
Molecular consequence: intron variant.
Genome position (GRCh38, 1-based): chr22:42,628,144, C>T on the plus strand (G>A on the coding strand, the complement: CYB5R3 is on the minus strand). VCF-style: chr22-42628144-C-T. GRCh37 (hg19) VCF-style: chr22-43024150-C-T.
Other names: c.394+8G>A (NM_007326.4, NM_001171661.1, NM_001129819.2); c.562+8G>A (NM_001171660.2).
Identifiers: ClinVar variation 736506 (VCV000736506.9), dbSNP rs200872504, ClinGen allele CA10269755.